The following is an entry in ClinVar:

NM_000875.5(IGF1R):c.3792C>G (p.Ser1264Arg)

Gene: IGF1R (insulin like growth factor 1 receptor; plus strand). Cytogenetic location: 15q26.3.
Variant type: single nucleotide variant.
Coding change: c.3792C>G on transcript NM_000875.5 (MANE Select); coding-DNA position 3792, C replaced by G.
Protein change: p.Ser1264Arg; replaces serine 1264 with arginine.
Molecular consequence: missense variant.
Genome position (GRCh38, 1-based): chr15:98,957,130, C>G. VCF-style: chr15-98957130-C-G. GRCh37 (hg19) VCF-style: chr15-99500359-C-G.
Other names: c.3789C>G, p.Ser1263Arg (NM_001291858.2); short protein forms S1264R, S1263R.
Identifiers: ClinVar variation 3730206 (VCV003730206.2).

ClinVar aggregate classification (germline): Uncertain significance (1 of 4 stars; one submission).

Submission:

Labcorp Genetics (formerly Invitae), Labcorp
Classification: Uncertain significance. Last evaluated: 2024-10-29. Review status: criteria provided, single submitter. Criteria: Invitae Variant Classification Sherloc (09022015). Collection method: clinical testing. Allele origin: germline.
Comment: This sequence change replaces serine, which is neutral and polar, with arginine, which is basic and polar, at codon 1264 of the IGF1R protein (p.Ser1264Arg). This variant is not present in population databases (gnomAD no frequency). This variant has not been reported in the literature in individuals affected with IGF1R-related conditions. Invitae Evidence Modeling of protein sequence and biophysical properties (such as structural, functional, and spatial information, amino acid conservation, physicochemical variation, residue mobility, and thermodynamic stability) indicates that this missense variant is not expected to disrupt IGF1R protein function with a negative predictive value of 80%. In summary, the available evidence is currently insufficient to determine the role of this variant in disease. Therefore, it has been classified as a Variant of Uncertain Significance.